The following is an entry in ClinVar:

ClinVar aggregate classification (germline): Uncertain significance (1 of 4 stars; one submission).

Conditions:
Acute myeloid leukemia (AML). Also called: Acute myeloid leukemia, adult; AML adult; Acute non-lymphocytic leukemia; Acute granulocytic leukemia; Leukemia, acute myeloid, somatic; Leukemia, acute myelogenous, somatic. Identifiers: Orphanet 519, MedGen C0023467, MeSH D015470, MONDO:0018874, OMIM 601626, HP:0004808. Disease mechanism: Constitutively activated FLT3.

Submission:

Labcorp Genetics (formerly Invitae), Labcorp
Classification: Uncertain significance for Acute myeloid leukemia. Last evaluated: 2023-07-29. Review status: criteria provided, single submitter. Criteria: Invitae Variant Classification Sherloc (09022015). Collection method: clinical testing. Allele origin: germline.
Comment: Advanced modeling of protein sequence and biophysical properties (such as structural, functional, and spatial information, amino acid conservation, physicochemical variation, residue mobility, and thermodynamic stability) performed at Invitae indicates that this missense variant is not expected to disrupt CEBPA protein function. In summary, the available evidence is currently insufficient to determine the role of this variant in disease. Therefore, it has been classified as a Variant of Uncertain Significance. This sequence change replaces proline, which is neutral and non-polar, with leucine, which is neutral and non-polar, at codon 121 of the CEBPA protein (p.Pro121Leu). The frequency data for this variant in the population databases is considered unreliable, as metrics indicate insufficient coverage at this position in the gnomAD database. This variant has not been reported in the literature in individuals affected with CEBPA-related conditions.

NM_004364.5(CEBPA):c.362C>T (p.Pro121Leu)

Gene: CEBPA (CCAAT enhancer binding protein alpha; minus strand). Cytogenetic location: 19q13.11.
Variant type: single nucleotide variant.
Coding change: c.362C>T on transcript NM_004364.5 (MANE Select); coding-DNA position 362, C replaced by T.
Protein change: p.Pro121Leu; replaces proline 121 with leucine.
Molecular consequence: missense variant.
Genome position (GRCh38, 1-based): chr19:33,302,053, G>A on the plus strand (C>T on the coding strand, the complement: CEBPA is on the minus strand). VCF-style: chr19-33302053-G-A. GRCh37 (hg19) VCF-style: chr19-33792959-G-A.
Other names: c.5C>T, p.Pro2Leu (NM_001285829.2); c.467C>T, p.Pro156Leu (NM_001287424.2); c.320C>T, p.Pro107Leu (NM_001287435.2); short protein forms P121L, P2L, P107L, P156L.
Identifiers: ClinVar variation 2884141 (VCV002884141.3), dbSNP rs1967187752, ClinGen allele CA405275107.